The following is an entry in ClinVar:

NM_032607.3(CREB3L3):c.511G>C (p.Asp171His)

Gene: CREB3L3 (cAMP responsive element binding protein 3 like 3; plus strand). Cytogenetic location: 19p13.3.
Variant type: single nucleotide variant.
Coding change: c.511G>C on transcript NM_032607.3 (MANE Select); coding-DNA position 511, G replaced by C.
Protein change: p.Asp171His; replaces aspartic acid 171 with histidine.
Molecular consequence: missense variant.
Genome position (GRCh38, 1-based): chr19:4,159,717, G>C. VCF-style: chr19-4159717-G-C. GRCh37 (hg19) VCF-style: chr19-4159714-G-C.
Other names: c.511G>C, p.Asp171His (NM_001271996.2, NM_001271997.2); c.508G>C, p.Asp170His (NM_001271995.2); short protein forms D171H, D170H.
Identifiers: ClinVar variation 2731225 (VCV002731225.3), dbSNP rs774265596, ClinGen allele CA9091343.

ClinVar aggregate classification (germline): Uncertain significance (1 of 4 stars; one submission).

Allele frequency attached by ClinVar (database versions not stated): ExAC 0.00001; gnomAD 0.00002; TOPMed 0.00002.

Submission:

Labcorp Genetics (formerly Invitae), Labcorp
Classification: Uncertain significance. Last evaluated: 2023-01-22. Review status: criteria provided, single submitter. Criteria: Invitae Variant Classification Sherloc (09022015). Collection method: clinical testing. Allele origin: germline.
Comment: In summary, the available evidence is currently insufficient to determine the role of this variant in disease. Therefore, it has been classified as a Variant of Uncertain Significance. Advanced modeling of protein sequence and biophysical properties (such as structural, functional, and spatial information, amino acid conservation, physicochemical variation, residue mobility, and thermodynamic stability) performed at Invitae indicates that this missense variant is not expected to disrupt CREB3L3 protein function. This variant has not been reported in the literature in individuals affected with CREB3L3-related conditions. This variant is present in population databases (rs774265596, gnomAD 0.003%). This sequence change replaces aspartic acid, which is acidic and polar, with histidine, which is basic and polar, at codon 171 of the CREB3L3 protein (p.Asp171His).